The following is an entry in ClinVar:

ClinVar aggregate classification (germline): Pathogenic. Review status: reviewed by expert panel (3 of 4 stars). 3 submissions from 3 submitters: Pathogenic (1). 2 of the submissions do not count toward it. Last evaluated 2016-09-08.

Conditions:
Breast-ovarian cancer, familial, susceptibility to, 2 (BROVCA2). Also called: BRCA2 Hereditary Breast and Ovarian Cancer. Identifiers: Orphanet 145, MedGen C2675520, MONDO:0012933, OMIM 612555. Disease mechanism: loss of function.
Hereditary breast ovarian cancer syndrome. Also called: Hereditary breast and ovarian cancer syndrome; Hereditary breast and ovarian cancer; Hereditary breast and ovarian cancer syndrome (HBOC); Breast and ovarian cancer; Hereditary breast and/or ovarian cancer syndrome; BRCA1- and BRCA2-Associated Hereditary Breast and Ovarian Cancer. Identifiers: Orphanet 145, MedGen C0677776, MeSH D061325, MONDO:0003582. Disease mechanism: loss of function.

Allele frequency attached by ClinVar (database versions not stated): gnomAD exomes below 0.00001.

Submissions (3):

Evidence-based Network for the Interpretation of Germline Mutant Alleles (ENIGMA)
Classification: Pathogenic for Breast-ovarian cancer, familial, susceptibility to, 2. Last evaluated: 2016-09-08. Review status: reviewed by expert panel. Criteria: ENIGMA BRCA1/2 Classification Criteria (2015). Collection method: curation. Allele origin: germline.
Comment: Variant allele predicted to encode a truncated non-functional protein.

Labcorp Genetics (formerly Invitae), Labcorp
Classification: Pathogenic for Hereditary breast ovarian cancer syndrome. Last evaluated: 2022-12-26. Review status: criteria provided, single submitter. Criteria: Invitae Variant Classification Sherloc (09022015). Collection method: clinical testing. Allele origin: germline. Not counted in ClinVar's aggregate classification.
Comment: For these reasons, this variant has been classified as Pathogenic. ClinVar contains an entry for this variant (Variation ID: 55789). This variant has not been reported in the literature in individuals affected with BRCA2-related conditions. This variant is not present in population databases (gnomAD no frequency). This sequence change creates a premature translational stop signal (p.Thr441Asnfs*11) in the BRCA2 gene. It is expected to result in an absent or disrupted protein product. Loss-of-function variants in BRCA2 are known to be pathogenic (PMID: 20104584).

Breast Cancer Information Core (BIC) (BRCA2)
Classification: Pathogenic for Breast-ovarian cancer, familial 2. Review status: no assertion criteria provided. Collection method: clinical testing. Allele origin: germline. Affected: yes. Observed: 1 variant allele. Not counted in ClinVar's aggregate classification.

Literature cited by the submitters: PubMed 20104584 (cited by Labcorp Genetics (formerly Invitae), Labcorp).

NM_000059.4(BRCA2):c.1321dup (p.Thr441fs)

Gene: BRCA2 (BRCA2 DNA repair associated; plus strand). Cytogenetic location: 13q13.1.
Variant type: Duplication.
Coding change: c.1321dup on transcript NM_000059.4 (MANE Select); coding-DNA position 1321, one base duplicated (A; older notation c.1321dupA).
Protein change: p.Thr441fs; shifts the reading frame from threonine 441.
Molecular consequence: frameshift variant.
Genome position (GRCh38, 1-based): chr13:32,332,799, A duplicated. VCF-style (leftmost placement, unchanged base first): chr13-32332798-T-TA. GRCh37 (hg19) VCF-style: chr13-32906935-T-TA.
Other names: 1549insA; c.1321dupA (NM_000059.3); short protein forms T441fs.
Identifiers: ClinVar variation 55789 (VCV000055789.7), dbSNP rs80359281, ClinGen allele CA011591.